The following is an entry in ClinVar:

ClinVar aggregate classification (germline): Uncertain significance. Review status: criteria provided, multiple submitters, no conflicts (2 of 4 stars). 2 submissions from 2 submitters: Uncertain significance (2). Last evaluated 2025-12-21.

Conditions:
Early Myoclonic Encephalopathy. Identifiers: MedGen C0270855.

Allele frequency attached by ClinVar (database versions not stated): gnomAD 0.00006 and 0.00005; TOPMed 0.00009; ESP Exome Variant Server 0.00015; gnomAD exomes 0.00003; ExAC 0.00004.
gnomAD v4.1: 37 of 1,612,546 alleles (0.0023%); highest among the groups gnomAD compares: Middle Eastern, 0.033%; no homozygotes.

Submissions (2):

Labcorp Genetics (formerly Invitae), Labcorp
Classification: Uncertain significance for Early Myoclonic Encephalopathy. Last evaluated: 2025-12-21. Review status: criteria provided, single submitter. Criteria: Invitae Variant Classification Sherloc (09022015). Collection method: clinical testing. Allele origin: germline.
Comment: This sequence change replaces aspartic acid, which is acidic and polar, with asparagine, which is neutral and polar, at codon 612 of the KCND2 protein (p.Asp612Asn). This variant is present in population databases (rs151258092, gnomAD 0.01%). This missense change has been observed in individual(s) with J-wave syndrome (PMID: 25214526). ClinVar contains an entry for this variant (Variation ID: 1684824). Invitae Evidence Modeling of protein sequence and biophysical properties (such as structural, functional, and spatial information, amino acid conservation, physicochemical variation, residue mobility, and thermodynamic stability) indicates that this missense variant is not expected to disrupt KCND2 protein function with a negative predictive value of 95%. Experimental studies have shown that this missense change affects KCND2 function (PMID: 25214526). In summary, the available evidence is currently insufficient to determine the role of this variant in disease. Therefore, it has been classified as a Variant of Uncertain Significance.

Mendelics
Classification: Uncertain significance. Last evaluated: 2022-05-04. Review status: criteria provided, single submitter. Criteria: Mendelics Assertion Criteria 2019. Collection method: clinical testing. Allele origin: germline.

Literature cited by the submitters: PubMed 25214526 (cited by Labcorp Genetics (formerly Invitae), Labcorp).

NM_012281.3(KCND2):c.1834G>A (p.Asp612Asn)

Gene: KCND2 (potassium voltage-gated channel subfamily D member 2; plus strand). Cytogenetic location: 7q31.31.
Variant type: single nucleotide variant.
Coding change: c.1834G>A on transcript NM_012281.3 (MANE Select); coding-DNA position 1834, G replaced by A.
Protein change: p.Asp612Asn; replaces aspartic acid 612 with asparagine.
Molecular consequence: missense variant.
Genome position (GRCh38, 1-based): chr7:120,747,799, G>A. VCF-style: chr7-120747799-G-A. GRCh37 (hg19) VCF-style: chr7-120387853-G-A.
Other names: short protein forms D612N.
Identifiers: ClinVar variation 1684824 (VCV001684824.6), dbSNP rs151258092, ClinGen allele CA4453763.
Genomic context (GRCh38, chr7:120,747,799, plus strand): 5'-TATGTGACTACAGCAATAATAAGCATCCCAACACCTCCAGTAACCACACCAGAAGGAGAC[G>A]ATAGGCCAGAATCCCCTGAGTACTCAGGAGGAAATATTGTCAGAGTTTCTGCTTTGTAAG-3'
Protein context (NP_036413.1, residues 602-622): TPPVTTPEGD[Asp612Asn]RPESPEYSGG